The following is an entry in ClinVar:

ClinVar aggregate classification (germline): Conflicting classifications of pathogenicity. Review status: criteria provided, conflicting classifications (1 of 4 stars). 2 submissions from 2 submitters: Likely pathogenic (1); Uncertain significance (1). Last evaluated 2024-04-15.

Conditions:
RUNX2-related disorder. Also called: RUNX2-related condition.

Submissions (2):

Labcorp Genetics (formerly Invitae), Labcorp
Classification: Uncertain significance. Last evaluated: 2024-04-15. Review status: criteria provided, single submitter. Criteria: Invitae Variant Classification Sherloc (09022015). Collection method: clinical testing. Allele origin: germline.
Comment: This sequence change creates a premature translational stop signal (p.Pro488Leufs*20) in the RUNX2 gene. While this is not anticipated to result in nonsense mediated decay, it is expected to disrupt the last 34 amino acid(s) of the RUNX2 protein. This variant is not present in population databases (gnomAD no frequency). This variant has not been reported in the literature in individuals affected with RUNX2-related conditions. Experimental studies and prediction algorithms are not available or were not evaluated, and the functional significance of this variant is currently unknown. In summary, the available evidence is currently insufficient to determine the role of this variant in disease. Therefore, it has been classified as a Variant of Uncertain Significance.

Blueprint Genetics
Classification: Likely pathogenic for RUNX2-related disorders. Last evaluated: 2021-04-14. Review status: criteria provided, single submitter. Criteria: ACMG Guidelines, 2015. Collection method: clinical testing. Allele origin: germline. Affected: yes. Observed: 1 variant allele.

NM_001024630.4(RUNX2):c.1463del (p.Pro488fs)

Gene: RUNX2 (RUNX family transcription factor 2; plus strand). Cytogenetic location: 6p21.1.
Variant type: Deletion.
Coding change: c.1463del on transcript NM_001024630.4 (MANE Select); coding-DNA position 1463, one base deleted (C; older notation c.1463delC).
Protein change: p.Pro488fs; shifts the reading frame from proline 488.
Molecular consequence: frameshift variant.
Genome position (GRCh38, 1-based): chr6:45,547,202, C deleted; the last of 2 consecutive C bases (chr6:45,547,201-45,547,202); deleting either gives the same sequence. VCF-style (leftmost placement, unchanged base first): chr6-45547200-GC-G. GRCh37 (hg19) VCF-style: chr6-45514937-GC-G.
Other names: c.1397del, p.Pro466fs (NM_001015051.4); c.1355del, p.Pro452fs (NM_001278478.2); c.1421del, p.Pro474fs (NM_001369405.1); short protein forms P488fs, P452fs, P466fs, P474fs.
Identifiers: ClinVar variation 3649937 (VCV003649937.3).